The following is an entry in ClinVar:

NM_004586.3(RPS6KA3):c.487G>A (p.Val163Met)

Gene: RPS6KA3 (ribosomal protein S6 kinase A3; minus strand). Cytogenetic location: Xp22.12.
Variant type: single nucleotide variant.
Coding change: c.487G>A on transcript NM_004586.3 (MANE Select); coding-DNA position 487, G replaced by A.
Protein change: p.Val163Met; replaces valine 163 with methionine.
Molecular consequence: missense variant.
Genome position (GRCh38, 1-based): chrX:20,193,593, C>T on the plus strand (G>A on the coding strand, the complement: RPS6KA3 is on the minus strand). VCF-style: chrX-20193593-C-T. GRCh37 (hg19) VCF-style: chrX-20211711-C-T.
Other names: short protein forms V163M.
Identifiers: ClinVar variation 2576857 (VCV002576857.2), dbSNP rs2519756956, ClinGen allele CA412510110.

ClinVar aggregate classification (germline): Uncertain significance (1 of 4 stars; one submission).

Submission:

GeneDx
Classification: Uncertain significance. Last evaluated: 2024-04-28. Review status: criteria provided, single submitter. Criteria: GeneDx Variant Classification Process June 2021. Collection method: clinical testing. Allele origin: germline.
Comment: Not observed at significant frequency in large population cohorts (gnomAD); In silico analysis supports that this missense variant has a deleterious effect on protein structure/function; Has not been previously published as pathogenic or benign to our knowledge